The following is an entry in ClinVar:

NM_000518.4(HBB):c.203T>G (p.Val68Gly)

Genes: HBB (hemoglobin subunit beta; minus strand), LOC106099062 (HBB recombination region; plus strand), LOC107133510 (origin of replication at HBB; plus strand). Cytogenetic location: 11p15.4.
Variant type: single nucleotide variant.
Coding change: c.203T>G on transcript NM_000518.4; coding-DNA position 203, T replaced by G.
Protein change: p.Val68Gly; replaces valine 68 with glycine.
Molecular consequence: missense variant (on NM_000518.5).
Genome position (GRCh38, 1-based): chr11:5,226,689, A>C on the plus strand (T>G on the coding strand, the complement: HBB is on the minus strand). VCF-style: chr11-5226689-A-C. GRCh37 (hg19) VCF-style: chr11-5247919-A-C.
Other names: V67G; c.203T>G, p.Val68Gly (NM_000518.5); short protein forms V68G.
Identifiers: ClinVar variation 15527 (VCV000015527.3), dbSNP rs33918343, ClinGen allele CA125397.

ClinVar aggregate classification (germline): Uncertain significance. Review status: criteria provided, single submitter (1 of 4 stars). 2 submissions from 2 submitters: Uncertain significance (1). 1 of the submissions does not count toward it. Last evaluated 2022-06-02.

Conditions:
HEMOGLOBIN MANUKAU.

Submissions (2):

GeneDx
Classification: Uncertain significance. Last evaluated: 2022-06-02. Review status: criteria provided, single submitter. Criteria: GeneDx Variant Classification Process June 2021. Collection method: clinical testing. Allele origin: germline. Affected: yes.
Comment: Observed in heterozygous state in a small number of individuals with hemolytic anemia (Kumar et al., 2014; Fay et al., 1993); Not observed at significant frequency in large population cohorts (gnomAD); In silico analysis supports that this missense variant has a deleterious effect on protein structure/function; This variant is associated with the following publications: (PMID: 8280608, 24611675)

OMIM
Classification: other for HEMOGLOBIN MANUKAU. Last evaluated: 2017-12-12. Review status: no assertion criteria provided. Collection method: literature only. Allele origin: germline. Not counted in ClinVar's aggregate classification.

Literature cited by the submitters: PubMed 8280608 (cited by OMIM).